The following is an entry in ClinVar:

ClinVar aggregate classification (germline): Uncertain significance. Review status: criteria provided, multiple submitters, no conflicts (2 of 4 stars). 2 submissions from 2 submitters: Uncertain significance (2). Last evaluated 2023-12-04.

Conditions:
Familial thoracic aortic aneurysm and aortic dissection (TAAD). Also called: Thoracic aortic aneurysms and dissections. Identifiers: Orphanet 91387, MedGen C4707243, MONDO:0019625.
COL3A1-related disorder. Also called: COL3A1-related condition.

Allele frequency attached by ClinVar (database versions not stated): ExAC 0.00001; gnomAD exomes 0.00001.
gnomAD v4.1: 9 of 1,613,160 alleles (0.00056%); highest among the groups gnomAD compares: Non-Finnish European, 0.00076%; no homozygotes.

Submissions (2):

Color Diagnostics, LLC DBA Color Health
Classification: Uncertain significance for Familial thoracic aortic aneurysm and aortic dissection. Last evaluated: 2023-12-04. Review status: criteria provided, single submitter. Criteria: ACMG Guidelines, 2015. Collection method: clinical testing. Allele origin: germline.
Comment: Variant of Uncertain Significance due to insufficient evidence: This missense variant is located in the N-terminal propeptide sequence of the COL3A1 protein. Computational prediction tools and conservation analyses are inconclusive regarding the impact of this variant on the protein function. Computational splicing tools suggest that this variant may not impact RNA splicing. To our knowledge, functional assays have not been performed for this variant nor has this variant been reported in individuals affected with cardiovascular disorders in the literature. This variant is rare in the general population and has been identified in 0/277264 chromosomes by the Genome Aggregation Database (gnomAD). Available evidence is insufficient to determine the role of this variant in disease conclusively.

PreventionGenetics, part of Exact Sciences
Classification: Uncertain significance for COL3A1-related condition. Last evaluated: 2023-05-11. Review status: criteria provided, single submitter. Criteria: ACMG Guidelines, 2015. Collection method: clinical testing. Allele origin: germline.
Comment: The COL3A1 c.235A>G variant is predicted to result in the amino acid substitution p.Ile79Val. To our knowledge, this variant has not been reported in the literature or in a large population database, indicating this variant is rare. At this time, the clinical significance of this variant is uncertain due to the absence of conclusive functional and genetic evidence.

NM_000090.4(COL3A1):c.235A>G (p.Ile79Val)

Gene: COL3A1 (collagen type III alpha 1 chain; plus strand). Cytogenetic location: 2q32.2.
Variant type: single nucleotide variant.
Coding change: c.235A>G on transcript NM_000090.4 (MANE Select); coding-DNA position 235, A replaced by G.
Protein change: p.Ile79Val; replaces isoleucine 79 with valine.
Molecular consequence: missense variant.
Genome position (GRCh38, 1-based): chr2:188,984,915, A>G. VCF-style: chr2-188984915-A-G. GRCh37 (hg19) VCF-style: chr2-189849641-A-G.
Other names: short protein forms I79V.
Identifiers: ClinVar variation 924477 (VCV000924477.6), dbSNP rs779214140, ClinGen allele CA075248.
Genomic context (GRCh38, chr2:188,984,915, plus strand): 5'-TCCGTTCTCTGCGATGACATAATATGTGACGATCAAGAATTAGACTGCCCCAACCCAGAA[A>G]TTCCATTTGGAGAATGTTGTGCAGTTTGCCCACAGCCTCCAACTGCTGTGAGTTTAAAGA-3'
Protein context (NP_000081.2, residues 69-89): DQELDCPNPE[Ile79Val]PFGECCAVCP